The following is an entry in ClinVar:

ClinVar aggregate classification (germline): Uncertain significance (0 of 4 stars; one submission).

Conditions:
MRAP2-related disorder. Also called: MRAP2-related condition.

gnomAD v4.1: 8 of 152,102 alleles (0.0053%); highest among the groups gnomAD compares: African/African-American, 0.0097%; no homozygotes.

Submission:

PreventionGenetics, part of Exact Sciences
Classification: Uncertain significance for MRAP2-related condition. Last evaluated: 2023-10-19. Review status: no assertion criteria provided. Collection method: clinical testing. Allele origin: germline.
Comment: The MRAP2 c.37C>T variant is predicted to result in premature protein termination (p.Arg13*). To our knowledge, this variant has not been reported in the literature. This variant is reported in 0.013% of alleles in individuals of European (Non-Finnish) descent in gnomAD. Loss of function has not been conclusively established as a mechanism for MRAP2-related disorders. Although we suspect that this variant may be pathogenic, at this time, the clinical significance of this variant is uncertain due to the absence of conclusive functional and genetic evidence.

NM_138409.4(MRAP2):c.228-1835C>T

Gene: MRAP2 (melanocortin 2 receptor accessory protein 2; plus strand). Cytogenetic location: 6q14.2.
Variant type: single nucleotide variant.
Coding change: c.228-1835C>T on transcript NM_138409.4 (MANE Select); 1835 bases into the intron before coding-DNA position 228, C replaced by T.
Molecular consequence: intron variant. On other transcripts: nonsense (1).
Genome position (GRCh38, 1-based): chr6:84,087,256, C>T. VCF-style: chr6-84087256-C-T. GRCh37 (hg19) VCF-style: chr6-84796975-C-T.
Other names: c.37C>T, p.Arg13Ter (NM_001346543.2); c.228-1835C>T (NM_001346542.2, NM_001346544.2); c.-31-1835C>T (NM_001346541.2); short protein forms R13*.
Identifiers: ClinVar variation 3357756 (VCV003357756.1).
Genomic context (GRCh38, chr6:84,087,256, plus strand): 5'-GAGACATCGATCAACATATGTAAGATGAACATTGGTTCAGTCTGGAAAGGCGGGACTACT[C>T]GAAGCAGGGAGGGGACTTCCAGGTCGTAAGTAGATAAGAGACAATGGTTGCATTCTTTTG-3'